The following is an entry in ClinVar:

NM_003482.4(KMT2D):c.8399A>G (p.Gln2800Arg)

Gene: KMT2D (lysine methyltransferase 2D; minus strand). Cytogenetic location: 12q13.12.
Variant type: single nucleotide variant.
Coding change: c.8399A>G on transcript NM_003482.4 (MANE Select); coding-DNA position 8399, A replaced by G.
Protein change: p.Gln2800Arg; replaces glutamine 2800 with arginine.
Molecular consequence: missense variant.
Genome position (GRCh38, 1-based): chr12:49,038,957, T>C on the plus strand (A>G on the coding strand, the complement: KMT2D is on the minus strand). VCF-style: chr12-49038957-T-C. GRCh37 (hg19) VCF-style: chr12-49432740-T-C.
Other names: short protein forms Q2800R.
Identifiers: ClinVar variation 2843894 (VCV002843894.3), dbSNP rs2120506825, ClinGen allele CA384742403.

ClinVar aggregate classification (germline): Uncertain significance (1 of 4 stars; one submission).

Conditions:
Kabuki syndrome. Also called: Kabuki make-up syndrome; NIIKAWA-KUROKI SYNDROME. Identifiers: Orphanet 2322, MedGen C0796004, MONDO:0016512.

Submission:

Labcorp Genetics (formerly Invitae), Labcorp
Classification: Uncertain significance for Kabuki syndrome. Last evaluated: 2023-12-08. Review status: criteria provided, single submitter. Criteria: Invitae Variant Classification Sherloc (09022015). Collection method: clinical testing. Allele origin: germline.
Comment: This sequence change replaces glutamine, which is neutral and polar, with arginine, which is basic and polar, at codon 2800 of the KMT2D protein (p.Gln2800Arg). This variant is not present in population databases (gnomAD no frequency). This variant has not been reported in the literature in individuals affected with KMT2D-related conditions. Advanced modeling of protein sequence and biophysical properties (such as structural, functional, and spatial information, amino acid conservation, physicochemical variation, residue mobility, and thermodynamic stability) performed at Invitae indicates that this missense variant is not expected to disrupt KMT2D protein function with a negative predictive value of 95%. In summary, the available evidence is currently insufficient to determine the role of this variant in disease. Therefore, it has been classified as a Variant of Uncertain Significance.